The following is an entry in ClinVar:

ClinVar aggregate classification (germline): Likely benign (1 of 4 stars; one submission).

Conditions:
Familial thoracic aortic aneurysm and aortic dissection (TAAD). Also called: Thoracic aortic aneurysms and dissections. Identifiers: Orphanet 91387, MedGen C4707243, MONDO:0019625.

Submission:

All of Us Research Program, National Institutes of Health
Classification: Likely benign for Familial thoracic aortic aneurysm and aortic dissection. Last evaluated: 2024-02-22. Review status: criteria provided, single submitter. Criteria: ACMG Guidelines, 2015. Collection method: clinical testing. Allele origin: germline. Inheritance: Autosomal dominant inheritance. Observed: 1 variant allele, 1 heterozygote.
Comment: This study involves interpretation of variants in research participants for the purpose of population health screening. Participant phenotype was not available at the time of variant classification. Additional details can be found in publication PMID: 35346344, PMCID: PMC8962531

NM_002474.3(MYH11):c.5614-22_5614-15dup

Genes: MYH11 (myosin heavy chain 11; minus strand), NDE1 (nudE neurodevelopment protein 1; plus strand). Cytogenetic location: 16p13.11.
Variant type: Duplication.
Coding change: c.5614-22_5614-15dup on transcript NM_002474.3 (MANE Select); 22 bases into the intron before coding-DNA position 5614 through 15 bases into the intron before coding-DNA position 5614, 8 bases duplicated (CCCCTCCA; older notation c.5614-22_5614-15dupCCCCTCCA).
Molecular consequence: intron variant.
Genome position (GRCh38, 1-based): chr16:15,715,096-15,715,103, TGGAGGGG duplicated on the plus strand (CCCCTCCA on the coding strand, the reverse complement: MYH11 is on the minus strand); duplicating any 8 consecutive bases within chr16:15,715,096-15,715,106 gives the same sequence; the c. name uses the placement nearest the transcript's 3' end. VCF-style (leftmost placement, unchanged base first): chr16-15715095-T-TTGGAGGGG. GRCh37 (hg19) VCF-style: chr16-15808952-T-TTGGAGGGG.
Other names: c.948-9092_948-9085dup (NM_001143979.2, NM_017668.3); c.5614-22_5614-15dup (NM_022844.3); c.5635-22_5635-15dup (NM_001040114.2, NM_001040113.2).
Identifiers: ClinVar variation 3387160 (VCV003387160.1).